The following is an entry in ClinVar:

ClinVar aggregate classification (germline): Benign/Likely benign. Review status: criteria provided, multiple submitters, no conflicts (2 of 4 stars). 2 submissions from 2 submitters: Benign (1); Likely benign (1). Last evaluated 2024-11-24.

Conditions:
Familial temporal lobe epilepsy 7. Identifiers: Orphanet 101046, MedGen C4225327, MONDO:0014639, OMIM 616436.
Norman-Roberts syndrome (LIS2). Also called: Lissencephaly 2 (Norman-Roberts type). Identifiers: Orphanet 89844, MedGen C0796089, MONDO:0009760, OMIM 257320.

Submissions (2):

Labcorp Genetics (formerly Invitae), Labcorp
Classification: Benign for Familial temporal lobe epilepsy 7; Norman-Roberts syndrome. Last evaluated: 2024-11-24. Review status: criteria provided, single submitter. Criteria: Invitae Variant Classification Sherloc (09022015). Collection method: clinical testing. Allele origin: germline.

GeneDx
Classification: Likely benign. Last evaluated: 2017-07-17. Review status: criteria provided, single submitter. Criteria: GeneDx Variant Classification (06012015). Collection method: clinical testing. Allele origin: germline. Affected: yes.
Comment: This variant is considered likely benign or benign based on one or more of the following criteria: it is a conservative change, it occurs at a poorly conserved position in the protein, it is predicted to be benign by multiple in silico algorithms, and/or has population frequency not consistent with disease.

NM_005045.4(RELN):c.1143+15dup

Gene: RELN (reelin; minus strand). Cytogenetic location: 7q22.1.
Variant type: Duplication.
Coding change: c.1143+15dup on transcript NM_005045.4 (MANE Select); 15 bases into the intron after coding-DNA position 1143, one base duplicated (T; older notation c.1143+15dupT).
Molecular consequence: intron variant.
Genome position (GRCh38, 1-based): chr7:103,697,838, A duplicated on the plus strand (T on the coding strand, the reverse complement: RELN is on the minus strand); the first of 5 consecutive A bases (chr7:103,697,838-103,697,842); duplicating any one gives the same sequence. VCF-style (leftmost placement, unchanged base first): chr7-103697837-T-TA. GRCh37 (hg19) VCF-style: chr7-103338284-T-TA.
Other names: c.1143+15dup (NM_173054.3); c.1143+15dupT (NM_005045.3).
Identifiers: ClinVar variation 510834 (VCV000510834.5), dbSNP rs758452731, ClinGen allele CA4422363.